The following is an entry in ClinVar:

NM_145167.3(PIGM):c.102C>G (p.Phe34Leu)

Gene: PIGM (phosphatidylinositol glycan anchor biosynthesis class M; minus strand). Cytogenetic location: 1q23.2.
Variant type: single nucleotide variant.
Coding change: c.102C>G on transcript NM_145167.3 (MANE Select); coding-DNA position 102, C replaced by G.
Protein change: p.Phe34Leu; replaces phenylalanine 34 with leucine.
Molecular consequence: missense variant.
Genome position (GRCh38, 1-based): chr1:160,031,638, G>C on the plus strand (C>G on the coding strand, the complement: PIGM is on the minus strand). VCF-style: chr1-160031638-G-C. GRCh37 (hg19) VCF-style: chr1-160001428-G-C.
Other names: p.Phe34Leu; short protein forms F34L.
Identifiers: ClinVar variation 2682675 (VCV002682675.2), dbSNP rs1004691344, ClinGen allele CA31495973.

ClinVar aggregate classification (germline): Uncertain significance. Review status: criteria provided, multiple submitters, no conflicts (2 of 4 stars). 2 submissions from 2 submitters: Uncertain significance (2). Last evaluated 2025-06-03.

Conditions:
Hypercoagulability syndrome due to glycosylphosphatidylinositol deficiency (GPIBD1). Also called: GLYCOSYLPHOSPHATIDYLINOSITOL BIOSYNTHESIS DEFECT 1. Identifiers: Orphanet 83639, MedGen C5201145, MONDO:0012465, OMIM 610293.

Submissions (2):

Labcorp Genetics (formerly Invitae), Labcorp
Classification: Uncertain significance for Hypercoagulability syndrome due to glycosylphosphatidylinositol deficiency. Last evaluated: 2025-06-03. Review status: criteria provided, single submitter. Criteria: Invitae Variant Classification Sherloc (09022015). Collection method: clinical testing. Allele origin: germline.
Comment: This sequence change replaces phenylalanine, which is neutral and non-polar, with leucine, which is neutral and non-polar, at codon 34 of the PIGM protein (p.Phe34Leu). This variant is present in population databases (no rsID available, gnomAD 0.0009%). This variant has not been reported in the literature in individuals affected with PIGM-related conditions. ClinVar contains an entry for this variant (Variation ID: 2682675). Invitae Evidence Modeling of protein sequence and biophysical properties (such as structural, functional, and spatial information, amino acid conservation, physicochemical variation, residue mobility, and thermodynamic stability) indicates that this missense variant is not expected to disrupt PIGM protein function with a negative predictive value of 80%. In summary, the available evidence is currently insufficient to determine the role of this variant in disease. Therefore, it has been classified as a Variant of Uncertain Significance.

Mayo Clinic Laboratories, Mayo Clinic
Classification: Uncertain significance. Last evaluated: 2022-06-29. Review status: criteria provided, single submitter. Criteria: ACMG Guidelines, 2015. Collection method: clinical testing. Allele origin: germline. Observed: 1 variant allele.
Comment: BP4, PM2